The following is an entry in ClinVar:

NM_144631.6(ZNF513):c.1171G>A (p.Ala391Thr)

Gene: ZNF513 (zinc finger protein 513; minus strand). Cytogenetic location: 2p23.3.
Variant type: single nucleotide variant.
Coding change: c.1171G>A on transcript NM_144631.6 (MANE Select); coding-DNA position 1171, G replaced by A.
Protein change: p.Ala391Thr; replaces alanine 391 with threonine.
Molecular consequence: missense variant.
Genome position (GRCh38, 1-based): chr2:27,378,000, C>T on the plus strand (G>A on the coding strand, the complement: ZNF513 is on the minus strand). VCF-style: chr2-27378000-C-T. GRCh37 (hg19) VCF-style: chr2-27600867-C-T.
Other names: c.1171G>A (NM_144631.5); c.985G>A, p.Ala329Thr (NM_001201459.2); short protein forms A329T, A391T.
Identifiers: ClinVar variation 3614442 (VCV003614442.3).

ClinVar aggregate classification (germline): Uncertain significance. Review status: criteria provided, multiple submitters, no conflicts (2 of 4 stars). 2 submissions from 2 submitters: Uncertain significance (2). Last evaluated 2025-08-28.

Submissions (2):

Ambry Genetics
Classification: Uncertain significance. Last evaluated: 2025-08-28. Review status: criteria provided, single submitter. Criteria: Ambry Variant Classification Scheme 2023. Collection method: clinical testing. Allele origin: germline.

Labcorp Genetics (formerly Invitae), Labcorp
Classification: Uncertain significance. Last evaluated: 2025-03-04. Review status: criteria provided, single submitter. Criteria: Invitae Variant Classification Sherloc (09022015). Collection method: clinical testing. Allele origin: germline.
Comment: This sequence change replaces alanine, which is neutral and non-polar, with threonine, which is neutral and polar, at codon 391 of the ZNF513 protein (p.Ala391Thr). This variant is present in population databases (no rsID available, gnomAD 0.008%). This variant has not been reported in the literature in individuals affected with ZNF513-related conditions. An algorithm developed to predict the effect of missense changes on protein structure and function (PolyPhen-2) suggests that this variant is likely to be disruptive. In summary, the available evidence is currently insufficient to determine the role of this variant in disease. Therefore, it has been classified as a Variant of Uncertain Significance.